The following is an entry in ClinVar:

NM_000814.6(GABRB3):c.680C>T (p.Thr227Ile)

Gene: GABRB3 (gamma-aminobutyric acid type A receptor subunit beta3; minus strand). Cytogenetic location: 15q12.
Variant type: single nucleotide variant.
Coding change: c.680C>T on transcript NM_000814.6 (MANE Select); coding-DNA position 680, C replaced by T.
Protein change: p.Thr227Ile; replaces threonine 227 with isoleucine.
Molecular consequence: missense variant.
Genome position (GRCh38, 1-based): chr15:26,580,321, G>A on the plus strand (C>T on the coding strand, the complement: GABRB3 is on the minus strand). VCF-style: chr15-26580321-G-A. GRCh37 (hg19) VCF-style: chr15-26825468-G-A.
Other names: c.425C>T, p.Thr142Ile (NM_001191320.2, NM_001278631.2); c.467C>T, p.Thr156Ile (NM_001191321.3); c.680C>T, p.Thr227Ile (NM_021912.5); short protein forms T142I, T156I, T227I.
Identifiers: ClinVar variation 4783620 (VCV004783620.1).

ClinVar aggregate classification (germline): Uncertain significance (1 of 4 stars; one submission).

Conditions:
Epilepsy, childhood absence, susceptibility to, 1. Also called: Epilepsy, childhood absence 1. Identifiers: Orphanet 64280, MedGen C1838604, MONDO:0020759, OMIM 600131.
Epilepsy, childhood absence, susceptibility to, 5. Identifiers: Orphanet 64280, MedGen C2677087, MONDO:0012843, OMIM 612269.

Submission:

Labcorp Genetics (formerly Invitae), Labcorp
Classification: Uncertain significance for Epilepsy, childhood absence, susceptibility to, 5; Epilepsy, childhood absence, susceptibility to, 1. Last evaluated: 2025-03-20. Review status: criteria provided, single submitter. Criteria: Invitae Variant Classification Sherloc (09022015). Collection method: clinical testing. Allele origin: germline.
Comment: This sequence change replaces threonine, which is neutral and polar, with isoleucine, which is neutral and non-polar, at codon 227 of the GABRB3 protein (p.Thr227Ile). This variant is not present in population databases (gnomAD no frequency). This variant has not been reported in the literature in individuals affected with GABRB3-related conditions. Invitae Evidence Modeling of protein sequence and biophysical properties (such as structural, functional, and spatial information, amino acid conservation, physicochemical variation, residue mobility, and thermodynamic stability) has been performed for this missense variant. However, the output from this modeling did not meet the statistical confidence thresholds required to predict the impact of this variant on GABRB3 protein function. In summary, the available evidence is currently insufficient to determine the role of this variant in disease. Therefore, it has been classified as a Variant of Uncertain Significance.